The following is an entry in ClinVar:

NM_001035.3(RYR2):c.13713G>A (p.Thr4571=)

Gene: RYR2 (ryanodine receptor 2; plus strand). Cytogenetic location: 1q43.
Variant type: single nucleotide variant.
Coding change: c.13713G>A on transcript NM_001035.3 (MANE Select); coding-DNA position 13713, G replaced by A.
Protein change: p.Thr4571=; no amino-acid change (threonine 4571 retained).
Molecular consequence: synonymous variant.
Genome position (GRCh38, 1-based): chr1:237,792,254, G>A. VCF-style: chr1-237792254-G-A. GRCh37 (hg19) VCF-style: chr1-237955554-G-A.
Other names: c.13713G>A (NM_001035.2).
Identifiers: ClinVar variation 924840 (VCV000924840.8), dbSNP rs761552358, ClinGen allele CA085438.
Genomic context (GRCh38, chr1:237,792,254, plus strand): 5'-CCATAGAATCATCGCAGTTCACTATGTACTAGAGGAGAGCAGCGGCTACATGGAGCCCAC[G>A]TTGCGTATCTTAGCTATTCTGCACACGGTCATTTCTTTCTTCTGCATCATTGGATACTAC-3'
Protein context (NP_001026.2, residues 4561-4581): LEESSGYMEP[Thr4571=]LRILAILHTV

ClinVar aggregate classification (germline): Likely benign. Review status: criteria provided, multiple submitters, no conflicts (2 of 4 stars). 5 submissions from 5 submitters: Likely benign (5). Last evaluated 2026-03-12.

Conditions:
Cardiovascular phenotype. Identifiers: MedGen CN230736.
Cardiomyopathy (CMYO). Also called: Cardiomyopathies. Identifiers: Orphanet 167848, MedGen C0878544, MONDO:0004994, HP:0001638. Inheritance: Various modes of inheritance.
Catecholaminergic polymorphic ventricular tachycardia (CVPT). Also called: Catecholamine-induced polymorphic ventricular tachycardia. Identifiers: Orphanet 3286, MedGen C5574922, MONDO:0017990.
Catecholaminergic polymorphic ventricular tachycardia 1. Also called: RYR2-Related Catecholaminergic Polymorphic Ventricular Tachycardia; VENTRICULAR TACHYCARDIA, STRESS-INDUCED POLYMORPHIC 1; VENTRICULAR TACHYCARDIA, CATECHOLAMINERGIC POLYMORPHIC, 1, WITH OR WITHOUT ATRIAL DYSFUNCTION AND/OR DILATED CARDIOMYOPATHY. Identifiers: Orphanet 3286, MedGen C1631597, MONDO:0011484, OMIM 604772.

Allele frequency attached by ClinVar (database versions not stated): gnomAD exomes below 0.00001; ExAC 0.00001; TOPMed 0.00001.
gnomAD v4.1: 2 of 1,613,764 alleles (0.00012%); highest among the groups gnomAD compares: South Asian, 0.0011%; no homozygotes.

Submissions (5):

Ambry Genetics
Classification: Likely benign for Cardiovascular phenotype. Last evaluated: 2026-03-12. Review status: criteria provided, single submitter. Criteria: Ambry Variant Classification Scheme 2023. Collection method: clinical testing. Allele origin: germline.

Labcorp Genetics (formerly Invitae), Labcorp
Classification: Likely benign for Catecholaminergic polymorphic ventricular tachycardia 1. Last evaluated: 2024-10-15. Review status: criteria provided, single submitter. Criteria: Invitae Variant Classification Sherloc (09022015). Collection method: clinical testing. Allele origin: germline.

All of Us Research Program, National Institutes of Health
Classification: Likely benign for Catecholaminergic polymorphic ventricular tachycardia. Last evaluated: 2023-11-30. Review status: criteria provided, single submitter. Criteria: ACMG Guidelines, 2015. Collection method: clinical testing. Allele origin: germline. Inheritance: Autosomal dominant inheritance. Observed: 1 variant allele, 1 heterozygote.
Comment: This study involves interpretation of variants in research participants for the purpose of population health screening. Participant phenotype was not available at the time of variant classification. Additional details can be found in publication PMID: 35346344, PMCID: PMC8962531

Blueprint Genetics
Classification: Likely benign. Last evaluated: 2022-02-10. Review status: criteria provided, single submitter. Criteria: ACMG Guidelines, 2015. Collection method: clinical testing. Allele origin: germline.

Color Diagnostics, LLC DBA Color Health
Classification: Likely benign for Cardiomyopathy. Last evaluated: 2019-12-29. Review status: criteria provided, single submitter. Criteria: ACMG Guidelines, 2015. Collection method: clinical testing. Allele origin: germline.